The following is an entry in ClinVar:

NM_003793.4(CTSF):c.1379A>T (p.Lys460Met)

Gene: CTSF (cathepsin F; minus strand). Cytogenetic location: 11q13.2.
Variant type: single nucleotide variant.
Coding change: c.1379A>T on transcript NM_003793.4 (MANE Select); coding-DNA position 1379, A replaced by T.
Protein change: p.Lys460Met; replaces lysine 460 with methionine.
Molecular consequence: missense variant.
Genome position (GRCh38, 1-based): chr11:66,564,089, T>A on the plus strand (A>T on the coding strand, the complement: CTSF is on the minus strand). VCF-style: chr11-66564089-T-A. GRCh37 (hg19) VCF-style: chr11-66331560-T-A.
Other names: short protein forms K460M.
Identifiers: ClinVar variation 3359606 (VCV003359606.2).
Genomic context (GRCh38, chr11:66,564,089, plus strand): 5'-TGAGGGCACCAGGGTAGGATGGCGGCTGGAGGGCCAGGGGCCAAGCCAGCAAGACTCACC[T>A]TCTCACCCCAGTCAGTGCCCCAGCTGTTCTTGATGGCCCAAAAGGGAACGTCAGAGCCTG-3'
Protein context (NP_003784.2, residues 450-470): KNSWGTDWGE[Lys460Met]GYYYLHRGSG

ClinVar aggregate classification (germline): Uncertain significance. Review status: criteria provided, multiple submitters, no conflicts (2 of 4 stars). 2 submissions from 2 submitters: Uncertain significance (2). Last evaluated 2025-10-29.

Conditions:
Inborn genetic diseases. Identifiers: MedGen C0950123, MeSH D030342.

Submissions (2):

Ambry Genetics
Classification: Uncertain significance for Inborn genetic diseases. Last evaluated: 2025-10-29. Review status: criteria provided, single submitter. Criteria: Ambry Variant Classification Scheme 2023. Collection method: clinical testing. Allele origin: germline.

GeneDx
Classification: Uncertain significance. Last evaluated: 2023-06-07. Review status: criteria provided, single submitter. Criteria: GeneDx Variant Classification Process June 2021. Collection method: clinical testing. Allele origin: germline. Affected: yes.
Comment: Not observed at significant frequency in large population cohorts (gnomAD); In silico analysis supports that this missense variant has a deleterious effect on protein structure/function; Has not been previously published as pathogenic or benign to our knowledge